The following is an entry in ClinVar:

NM_000020.3(ACVRL1):c.1271C>G (p.Pro424Arg)

Gene: ACVRL1 (activin A receptor like type 1; plus strand). Cytogenetic location: 12q13.13.
Variant type: single nucleotide variant.
Coding change: c.1271C>G on transcript NM_000020.3 (MANE Select); coding-DNA position 1271, C replaced by G.
Protein change: p.Pro424Arg; replaces proline 424 with arginine.
Molecular consequence: missense variant.
Genome position (GRCh38, 1-based): chr12:51,919,009, C>G. VCF-style: chr12-51919009-C-G. GRCh37 (hg19) VCF-style: chr12-52312793-C-G.
Other names: c.1271C>G, p.Pro424Arg (NM_001077401.2); short protein forms P424R.
Identifiers: ClinVar variation 836149 (VCV000836149.12), dbSNP rs1940906429, ClinGen allele CA384903736.
Genomic context (GRCh38, chr12:51,919,009, plus strand): 5'-TCCCAAGTGATTGTCCTGTCCATTCTCCATTTCCAGGCATCGTGGAGGACTATAGACCAC[C>G]CTTCTATGATGTGGTGCCCAATGACCCCAGCTTTGAGGACATGAAGAAGGTGGTGTGTGT-3'
Protein context (NP_000011.2, residues 414-434): VNGIVEDYRP[Pro424Arg]FYDVVPNDPS

ClinVar aggregate classification (germline): Pathogenic. Review status: criteria provided, multiple submitters, no conflicts (2 of 4 stars). 2 submissions from 2 submitters: Pathogenic (2). Last evaluated 2022-12-23.

Conditions:
Cardiovascular phenotype. Identifiers: MedGen CN230736.
Telangiectasia, hereditary hemorrhagic, type 2 (HHT2). Also called: Telangiectasia, hereditary hemorrhagic, type II; ACVRL1-Related Hereditary Hemorrhagic Telangiectasia. Identifiers: Orphanet 774, MedGen C1838163, MONDO:0010880, OMIM 600376. Disease mechanism: loss of function.

Submissions (2):

Ambry Genetics
Classification: Pathogenic for Cardiovascular phenotype. Last evaluated: 2022-12-23. Review status: criteria provided, single submitter. Criteria: Ambry Variant Classification Scheme 2023. Collection method: clinical testing. Allele origin: germline.
Comment: The p.P424R pathogenic mutation (also known as c.1271C>G), located in coding exon 8 of the ACVRL1 gene, results from a C to G substitution at nucleotide position 1271. The proline at codon 424 is replaced by arginine, an amino acid with dissimilar properties. This mutation was identified in a series of 600 patients with a clinical diagnosis of hereditary hemorrhagic telangiectasia (HHT) (Richards-Yutz J et al. Hum. Genet., 2010 Jul;128:61-77). In addition, a disease-causing mutation, p.P424L, has been described in the same codon (Jia J et al. Zhonghua Yi Xue Za Zhi. 2012;92(16):1107-11). This variant is considered to be rare based on population cohorts in the Genome Aggregation Database (gnomAD). In addition, this alteration is predicted to be deleterious by in silico analysis. Based on the available evidence to date, this variant is classified as a pathogenic mutation.

Labcorp Genetics (formerly Invitae), Labcorp
Classification: Pathogenic for Telangiectasia, hereditary hemorrhagic, type 2. Last evaluated: 2019-11-26. Review status: criteria provided, single submitter. Criteria: Invitae Variant Classification Sherloc (09022015). Collection method: clinical testing. Allele origin: germline.
Comment: For these reasons, this variant has been classified as Pathogenic. This variant disrupts the p.Pro424 amino acid residue in ACVRL1. Other variant(s) that disrupt this residue have been determined to be pathogenic (PMID: 9245985, 18159113, 15712271, 22781769). This suggests that this residue is clinically significant, and that variants that disrupt this residue are likely to be disease-causing. Algorithms developed to predict the effect of missense changes on protein structure and function (SIFT, PolyPhen-2, Align-GVGD) all suggest that this variant is likely to be disruptive, but these predictions have not been confirmed by published functional studies and their clinical significance is uncertain. This variant has been observed in individual(s) with clinical features of hereditary hemorrhagic telangiectasia (PMID: 20414677, 25970827, Invitae). It has also been observed to segregate with disease in related individuals. This variant is not present in population databases (ExAC no frequency). This sequence change replaces proline with arginine at codon 424 of the ACVRL1 protein (p.Pro424Arg). The proline residue is highly conserved and there is a moderate physicochemical difference between proline and arginine.

Literature cited by the submitters: PubMed 20414677 (cited by Ambry Genetics and Labcorp Genetics (formerly Invitae), Labcorp); PubMed 9245985 (cited by Labcorp Genetics (formerly Invitae), Labcorp); PubMed 18159113 (cited by Labcorp Genetics (formerly Invitae), Labcorp); PubMed 15712271 (cited by Labcorp Genetics (formerly Invitae), Labcorp); PubMed 22781769 (cited by Labcorp Genetics (formerly Invitae), Labcorp); PubMed 25970827 (cited by Labcorp Genetics (formerly Invitae), Labcorp).